The following is an entry in ClinVar:

NM_003072.5(SMARCA4):c.2783del (p.Leu928fs)

Gene: SMARCA4 (SWI/SNF related BAF chromatin remodeling complex subunit ATPase 4; plus strand). Cytogenetic location: 19p13.2.
Variant type: Deletion.
Coding change: c.2783del on transcript NM_003072.5 (MANE Select); coding-DNA position 2783, one base deleted (T; older notation c.2783delT).
Protein change: p.Leu928fs; shifts the reading frame from leucine 928.
Molecular consequence: frameshift variant. On other transcripts: non-coding transcript variant (1).
Genome position (GRCh38, 1-based): chr19:11,021,891, T deleted. VCF-style (leftmost placement, unchanged base first): chr19-11021890-CT-C. GRCh37 (hg19) VCF-style: chr19-11132566-CT-C.
Other names: c.2783del, p.Leu928fs (NM_001128844.3, NM_001128845.2, NM_001128846.2 and 6 more transcripts); short protein forms L928fs.
Identifiers: ClinVar variation 4720722 (VCV004720722.1).

ClinVar aggregate classification (germline): Pathogenic/Likely pathogenic. Review status: criteria provided, multiple submitters, no conflicts (2 of 4 stars). 2 submissions from 2 submitters: Pathogenic (1); Likely pathogenic (1). Last evaluated 2025-06-03.

Conditions:
Rhabdoid tumor predisposition syndrome 2 (RTPS2). Identifiers: Orphanet 231108, Orphanet 69077, MedGen C2750074, MONDO:0013224, OMIM 613325.

Submissions (2):

Labcorp Genetics (formerly Invitae), Labcorp
Classification: Pathogenic for Rhabdoid tumor predisposition syndrome 2. Last evaluated: 2025-06-03. Review status: criteria provided, single submitter. Criteria: Invitae Variant Classification Sherloc (09022015). Collection method: clinical testing. Allele origin: germline.
Comment: This sequence change creates a premature translational stop signal (p.Leu928Argfs*22) in the SMARCA4 gene. It is expected to result in an absent or disrupted protein product. Loss-of-function variants in SMARCA4 are known to be pathogenic (PMID: 24658001, 24658002). This variant is not present in population databases (gnomAD no frequency). This variant has not been reported in the literature in individuals affected with SMARCA4-related conditions. For these reasons, this variant has been classified as Pathogenic.

Institute for Genomic Medicine (IGM) Clinical Laboratory, Nationwide Children's Hospital
Classification: Likely pathogenic for Rhabdoid tumor predisposition syndrome 2. Last evaluated: 2024-11-12. Review status: criteria provided, single submitter. Criteria: ACMG Guidelines, 2015. Collection method: clinical testing. Allele origin: germline.
Comment: This variant is predicted to result in loss of function through nonsense-mediated decay of the encoded transcript or premature truncation of the encoded protein in a gene in which loss of function is a known mechanism of disease (ACMG/AMP: PVS1; PMIDs:33907931, 34642211). This variant is absent from or present at an exceedingly low frequency in gnomAD, a large-scale control population database (ACMG/AMP: PM2).

Literature cited by the submitters: PubMed 24658001 (cited by Labcorp Genetics (formerly Invitae), Labcorp); PubMed 24658002 (cited by Labcorp Genetics (formerly Invitae), Labcorp); PubMed 33907931 (cited by Institute for Genomic Medicine (IGM) Clinical Laboratory, Nationwide Children's Hospital); PubMed 34642211 (cited by Institute for Genomic Medicine (IGM) Clinical Laboratory, Nationwide Children's Hospital).